The following is an entry in ClinVar:

ClinVar aggregate classification (germline): Likely benign (1 of 4 stars; one submission).

Conditions:
KSR2-related disorder. Also called: KSR2-related condition.

Submission:

PreventionGenetics, part of Exact Sciences
Classification: Likely benign for KSR2-related condition. Last evaluated: 2025-07-02. Review status: criteria provided, single submitter. Criteria: ACMG Guidelines, 2015. Collection method: clinical testing. Allele origin: germline.
Comment: This variant is classified as likely benign based on ACMG/AMP sequence variant interpretation guidelines (Richards et al. 2015 PMID: 25741868, with internal and published modifications).

NM_173598.6(KSR2):c.181-4A>C

Gene: KSR2 (kinase suppressor of ras 2; minus strand). Cytogenetic location: 12q24.23.
Variant type: single nucleotide variant.
Coding change: c.181-4A>C on transcript NM_173598.6 (MANE Select); 4 bases into the intron before coding-DNA position 181, A replaced by C.
Molecular consequence: intron variant.
Genome position (GRCh38, 1-based): chr12:117,860,435, T>G on the plus strand (A>C on the coding strand, the complement: KSR2 is on the minus strand). VCF-style: chr12-117860435-T-G. GRCh37 (hg19) VCF-style: chr12-118298240-T-G.
Identifiers: ClinVar variation 5002173 (VCV005002173.1).